The following is an entry in ClinVar:

ClinVar aggregate classification (germline): Likely pathogenic (1 of 4 stars; one submission).

Conditions:
Aicardi-Goutieres syndrome 4. Identifiers: Orphanet 51, MedGen C1835912, MONDO:0012472, OMIM 610333.

Allele frequency attached by ClinVar (database versions not stated): gnomAD exomes below 0.00001; gnomAD 0.00001; TOPMed 0.00001.

Submission:

Labcorp Genetics (formerly Invitae), Labcorp
Classification: Likely pathogenic for Aicardi-Goutieres syndrome 4. Last evaluated: 2024-12-09. Review status: criteria provided, single submitter. Criteria: Invitae Variant Classification Sherloc (09022015). Collection method: clinical testing. Allele origin: germline.
Comment: This sequence change affects a donor splice site in intron 3 of the RNASEH2A gene. It is expected to disrupt RNA splicing. Variants that disrupt the donor or acceptor splice site typically lead to a loss of protein function (PMID: 16199547), and loss-of-function variants in RNASEH2A are known to be pathogenic (PMID: 21454563, 25274781). This variant is present in population databases (no rsID available, gnomAD 0.008%). This variant has not been reported in the literature in individuals affected with RNASEH2A-related conditions. ClinVar contains an entry for this variant (Variation ID: 1066086). Algorithms developed to predict the effect of sequence changes on RNA splicing suggest that this variant may disrupt the consensus splice site. In summary, the currently available evidence indicates that the variant is pathogenic, but additional data are needed to prove that conclusively. Therefore, this variant has been classified as Likely Pathogenic.

Literature cited by the submitters: PubMed 16199547; PubMed 21454563; PubMed 25274781.

NM_006397.3(RNASEH2A):c.323+1G>T

Gene: RNASEH2A (ribonuclease H2 subunit A; plus strand). Cytogenetic location: 19p13.13.
Variant type: single nucleotide variant.
Coding change: c.323+1G>T on transcript NM_006397.3 (MANE Select); the canonical splice donor site of the intron after coding-DNA position 323, G replaced by T.
Molecular consequence: splice donor variant.
Genome position (GRCh38, 1-based): chr19:12,807,330, G>T. VCF-style: chr19-12807330-G-T. GRCh37 (hg19) VCF-style: chr19-12918144-G-T.
Identifiers: ClinVar variation 1066086 (VCV001066086.7), dbSNP rs1388246689, ClinGen allele CA404265459.
Genomic context (GRCh38, chr19:12,807,330, plus strand): 5'-TGTCGGCTGGGCGCTGGATGTGCTGTCTCCAAACCTCATCTCTACCAGCATGCTTGGGCG[G>T]TGAGGGGTCCCCGGGAGGGGCAGCCAGCATGGGCTGACCAAGCTTTGTTCCTAGAATGAG-3'